The following is an entry in ClinVar:

ClinVar aggregate classification (germline): Conflicting classifications of pathogenicity. Review status: criteria provided, conflicting classifications (1 of 4 stars). 6 submissions from 6 submitters: Uncertain significance (3); Likely benign (2). 1 of the submissions does not count toward it. Last evaluated 2026-01-18.

Conditions:
Familial hypokalemia-hypomagnesemia (GTLMNS). Also called: gitelman syndrome; HYPOMAGNESEMIA-HYPOKALEMIA, PRIMARY RENOTUBULAR, WITH HYPOCALCIURIA; POTASSIUM AND MAGNESIUM DEPLETION. Identifiers: Orphanet 358, MedGen C0268450, MONDO:0009904, OMIM 263800.

Allele frequency attached by ClinVar (database versions not stated): ESP Exome Variant Server 0.00008; ExAC 0.00020; gnomAD 0.00020 and 0.00021; TOPMed 0.00024; gnomAD exomes 0.00029 and 0.00032.
gnomAD v4.1: 498 of 1,613,884 alleles (0.031%); highest among the groups gnomAD compares: Admixed American, 0.042%; no homozygotes.

Submissions (6):

Labcorp Genetics (formerly Invitae), Labcorp
Classification: Likely benign. Last evaluated: 2026-01-18. Review status: criteria provided, single submitter. Criteria: Invitae Variant Classification Sherloc (09022015). Collection method: clinical testing. Allele origin: germline.

Blueprint Genetics
Classification: Likely benign. Last evaluated: 2024-11-05. Review status: criteria provided, single submitter. Criteria: ACMG Guidelines, 2015. Collection method: clinical testing. Allele origin: germline.

Genome-Nilou Lab
Classification: Uncertain significance for Familial hypokalemia-hypomagnesemia. Last evaluated: 2021-07-15. Review status: criteria provided, single submitter. Criteria: ACMG Guidelines, 2015. Collection method: clinical testing. Allele origin: germline. Affected: no.

GeneDx
Classification: Uncertain significance. Last evaluated: 2021-04-29. Review status: criteria provided, single submitter. Criteria: GeneDx Variant Classification Process June 2021. Collection method: clinical testing. Allele origin: germline. Affected: yes.
Comment: Has not been previously published as pathogenic or benign to our knowledge; In silico analysis, which includes splice predictors and evolutionary conservation, suggests this variant may impact gene splicing. In the absence of RNA/functional studies, the actual effect of this sequence change is unknown.

Illumina Laboratory Services, Illumina
Classification: Uncertain significance for Familial hypokalemia-hypomagnesemia. Last evaluated: 2018-01-13. Review status: criteria provided, single submitter. Criteria: ICSL Variant Classification Criteria 13 December 2019. Collection method: clinical testing. Allele origin: germline.

Martin Pollak Laboratory,  Beth Israel Deaconess Medical Center
Classification: Uncertain significance. Review status: no assertion criteria provided. Collection method: not provided. Allele origin: unknown. Not counted in ClinVar's aggregate classification.
Comment: Lower and higher UCa2+ groups
ClinVar note: Converted during submission from unknown to Uncertain significance.

NM_001126108.2(SLC12A3):c.2310C>T (p.Gly770=)

Gene: SLC12A3 (solute carrier family 12 member 3; plus strand). Cytogenetic location: 16q13.
Variant type: single nucleotide variant.
Coding change: c.2310C>T on transcript NM_001126108.2 (MANE Select); coding-DNA position 2310, C replaced by T.
Protein change: p.Gly770=; no amino-acid change (glycine 770 retained).
Molecular consequence: synonymous variant.
Genome position (GRCh38, 1-based): chr16:56,890,298, C>T. VCF-style: chr16-56890298-C-T. GRCh37 (hg19) VCF-style: chr16-56924210-C-T.
Other names: c.2310C>T, p.Gly770= (NM_000339.3); c.2307C>T, p.Gly769= (NM_001126107.2).
Identifiers: ClinVar variation 64417 (VCV000064417.21), dbSNP rs375542454, ClinGen allele CA216096.